The following is an entry in ClinVar:

ClinVar aggregate classification (germline): Benign/Likely benign. Review status: criteria provided, multiple submitters, no conflicts (2 of 4 stars). 4 submissions from 4 submitters: Benign (3); Likely benign (1). Last evaluated 2026-05-01.

Conditions:
Cataract 6 multiple types. Also called: CATARACT 6, POSTERIOR POLAR; CATARACT 6, CONGENITAL TOTAL; CATARACT, AGE-RELATED CORTICAL, 2. Identifiers: Orphanet 91492, MedGen C1861825, MONDO:0007288, OMIM 116600.

Allele frequency attached by ClinVar (database versions not stated): 1000 Genomes Project 30x 0.00062; 1000 Genomes Project 0.00080; TOPMed 0.00295; gnomAD 0.00306 and 0.00309; gnomAD exomes 0.00321 and 0.00563; ExAC 0.00322; ESP Exome Variant Server 0.00354.
gnomAD v4.1: 8,562 of 1,613,576 alleles (0.53%); highest among the groups gnomAD compares: Non-Finnish European, 0.66%; 34 homozygotes.

Submissions (4):

CeGaT Center for Human Genetics Tuebingen
Classification: Likely benign. Last evaluated: 2026-05-01. Review status: criteria provided, single submitter. Criteria: CeGaT Center For Human Genetics Tuebingen Variant Classification Criteria Version 2. Collection method: clinical testing. Allele origin: germline. Affected: yes. Observed: 1 variant allele.
Comment: EPHA2: BP4, BS2

Labcorp Genetics (formerly Invitae), Labcorp
Classification: Benign for Cataract 6 multiple types. Last evaluated: 2025-12-23. Review status: criteria provided, single submitter. Criteria: Invitae Variant Classification Sherloc (09022015). Collection method: clinical testing. Allele origin: germline.

GeneDx
Classification: Benign. Last evaluated: 2020-04-14. Review status: criteria provided, single submitter. Criteria: GeneDx Variant Classification Process June 2021. Collection method: clinical testing. Allele origin: germline. Affected: yes.
Comment: This variant is associated with the following publications: (PMID: 19649315)

Illumina Laboratory Services, Illumina
Classification: Benign for Cataract 6 multiple types. Last evaluated: 2018-01-12. Review status: criteria provided, single submitter. Criteria: ICSL Variant Classification Criteria 13 December 2019. Collection method: clinical testing. Allele origin: germline.
Comment: This variant was observed in the ICSL laboratory as part of a predisposition screen in an ostensibly healthy population. It had not been previously curated by ICSL or reported in the Human Gene Mutation Database (HGMD: prior to June 1st, 2018), and was therefore a candidate for classification through an automated scoring system. Utilizing variant allele frequency, disease prevalence and penetrance estimates, and inheritance mode, an automated score was calculated to assess if this variant is too frequent to cause the disease. Based on the score and internal cut-off values, a variant classified as benign is not then subjected to further curation. The score for this variant resulted in a classification of benign for this disease.

NM_004431.5(EPHA2):c.830C>T (p.Ser277Leu)

Gene: EPHA2 (EPH receptor A2; minus strand). Cytogenetic location: 1p36.13.
Variant type: single nucleotide variant.
Coding change: c.830C>T on transcript NM_004431.5 (MANE Select); coding-DNA position 830, C replaced by T.
Protein change: p.Ser277Leu; replaces serine 277 with leucine.
Molecular consequence: missense variant.
Genome position (GRCh38, 1-based): chr1:16,138,424, G>A on the plus strand (C>T on the coding strand, the complement: EPHA2 is on the minus strand). VCF-style: chr1-16138424-G-A. GRCh37 (hg19) VCF-style: chr1-16464919-G-A.
Other names: c.668C>T, p.Ser223Leu (NM_001329090.2); short protein forms S277L, S223L.
Identifiers: ClinVar variation 293440 (VCV000293440.15), dbSNP rs35484156, ClinGen allele CA625400.
Genomic context (GRCh38, chr1:16,138,424, plus strand): 5'-GTGTGCTCAGGGCACTCCAAGCAGGGGCTCTCAGATGCCTCAAACTTAAAAAATCCAGGC[G>A]AGCAGGCTGGTGGACACAGGACAGACAGAGCACAAGGACATCAGTTCAATCTGCTTCCAC-3'
Protein context (NP_004422.2, residues 267-287): EKVEDACQAC[Ser277Leu]PGFFKFEASE